The following is an entry in ClinVar:

NM_000186.4(CFH):c.3562A>G (p.Lys1188Glu)

Gene: CFH (complement factor H; plus strand). Cytogenetic location: 1q31.3.
Variant type: single nucleotide variant.
Coding change: c.3562A>G on transcript NM_000186.4 (MANE Select); coding-DNA position 3562, A replaced by G.
Protein change: p.Lys1188Glu; replaces lysine 1188 with glutamic acid.
Molecular consequence: missense variant.
Genome position (GRCh38, 1-based): chr1:196,747,179, A>G. VCF-style: chr1-196747179-A-G. GRCh37 (hg19) VCF-style: chr1-196716309-A-G.
Other names: short protein forms K1188E.
Identifiers: ClinVar variation 4291609 (VCV004291609.1).

ClinVar aggregate classification (germline): Uncertain significance (1 of 4 stars; one submission).

Conditions:
Atypical hemolytic-uremic syndrome. Identifiers: Orphanet 2134, MedGen C2931788, MONDO:0016244.

Submission:

Genomenon, Inc
Classification: Uncertain significance for Atypical hemolytic-uremic syndrome. Last evaluated: 2025-10-02. Review status: criteria provided, single submitter. Criteria: Genomenon Sequence Variant Interpretation Standards - Updated. Collection method: curation. Allele origin: germline. Affected: yes.
Comment: CFH p.Lys1188Glu (c.3562A>G) is a missense variant that changes the amino acid at residue 1188 from Lysine to Glutamic acid. This variant has been observed in at least one proband affected with atypical hemolytic-uremic syndrome (PMID:30046676). It is absent or not present at a significant frequency in gnomAD. In conclusion, we classify CFH p.Lys1188Glu (c.3562A>G) as a variant of uncertain significance.

Literature cited by the submitters: PubMed 30046676.